The following is an entry in ClinVar:

ClinVar aggregate classification (germline): Uncertain significance (1 of 4 stars; one submission).

Conditions:
Hereditary hemorrhagic telangiectasia (HHT). Also called: Osler hemorrhagic telangiectasia syndrome; ORW DISEASE; Osler Weber Rendu syndrome; OSLER-RENDU-WEBER DISEASE. Identifiers: Orphanet 774, MedGen C0039445, MONDO:0019180. Disease mechanism: loss of function.

Submission:

Labcorp Genetics (formerly Invitae), Labcorp
Classification: Uncertain significance for Hereditary hemorrhagic telangiectasia. Last evaluated: 2021-03-26. Review status: criteria provided, single submitter. Criteria: Invitae Variant Classification Sherloc (09022015). Collection method: clinical testing. Allele origin: germline.
Comment: This variant, c.923_925dup, results in the insertion of 1 amino acid(s) to the ENG protein (p.Ala308_Ser309insThr), but otherwise preserves the integrity of the reading frame. This variant is not present in population databases (ExAC no frequency). This variant has been observed in individual(s) with clinical features of hereditary hemorrhagic telangiectasia (Invitae). Experimental studies and prediction algorithms are not available or were not evaluated, and the functional significance of this variant is currently unknown. In summary, the available evidence is currently insufficient to determine the role of this variant in disease. Therefore, it has been classified as a Variant of Uncertain Significance.

NM_001114753.3(ENG):c.923_925dup (p.Ala308_Ser309insThr)

Gene: ENG (endoglin; minus strand). Cytogenetic location: 9q34.11.
Variant type: Duplication.
Coding change: c.923_925dup on transcript NM_001114753.3 (MANE Select); coding-DNA positions 923 to 925, 3 bases duplicated (CCA; older notation c.923_925dupCCA).
Protein change: p.Ala308_Ser309insThr.
Molecular consequence: inframe insertion. On other transcripts: inframe indel (2).
Genome position (GRCh38, 1-based): chr9:127,824,866-127,824,868, TGG duplicated on the plus strand (CCA on the coding strand, the reverse complement: ENG is on the minus strand). VCF-style (leftmost placement, unchanged base first): chr9-127824865-C-CTGG. GRCh37 (hg19) VCF-style: chr9-130587144-C-CTGG.
Other names: c.923_925dup, p.Ala308_Ser309insThr (NM_000118.4, NM_001406715.1); c.377_379dup, p.Ala126_Ser127insThr (NM_001278138.2).
Identifiers: ClinVar variation 1043220 (VCV001043220.11), dbSNP rs1830567981, ClinGen allele CA1879973525.